The following is an entry in ClinVar:

NM_000065.5(C6):c.1169G>A (p.Gly390Asp)

Gene: C6 (complement C6; minus strand). Cytogenetic location: 5p13.1.
Variant type: single nucleotide variant.
Coding change: c.1169G>A on transcript NM_000065.5 (MANE Select); coding-DNA position 1169, G replaced by A.
Protein change: p.Gly390Asp; replaces glycine 390 with aspartic acid.
Molecular consequence: missense variant.
Genome position (GRCh38, 1-based): chr5:41,172,347, C>T on the plus strand (G>A on the coding strand, the complement: C6 is on the minus strand). VCF-style: chr5-41172347-C-T. GRCh37 (hg19) VCF-style: chr5-41172449-C-T.
Other names: c.1169G>A, p.Gly390Asp (NM_001115131.4); c.1169G>A (NM_000065.2); short protein forms G390D.
Identifiers: ClinVar variation 999262 (VCV000999262.6), dbSNP rs148768872, ClinGen allele CA3252539.

ClinVar aggregate classification (germline): Uncertain significance. Review status: criteria provided, multiple submitters, no conflicts (2 of 4 stars). 2 submissions from 2 submitters: Uncertain significance (2). Last evaluated 2025-01-13.

Conditions:
Inborn genetic diseases. Identifiers: MedGen C0950123, MeSH D030342.

Allele frequency attached by ClinVar (database versions not stated): gnomAD exomes 0.00004 and 0.00012; ExAC 0.00014; 1000 Genomes Project 30x 0.00016; 1000 Genomes Project 0.00020; TOPMed 0.00047; gnomAD 0.00049 and 0.00052; ESP Exome Variant Server 0.00054.
gnomAD v4.1: 138 of 1,613,464 alleles (0.0086%); highest among the groups gnomAD compares: African/African-American, 0.17%; no homozygotes.

Submissions (2):

Labcorp Genetics (formerly Invitae), Labcorp
Classification: Uncertain significance. Last evaluated: 2025-01-13. Review status: criteria provided, single submitter. Criteria: Invitae Variant Classification Sherloc (09022015). Collection method: clinical testing. Allele origin: germline.
Comment: This sequence change replaces glycine, which is neutral and non-polar, with aspartic acid, which is acidic and polar, at codon 390 of the C6 protein (p.Gly390Asp). This variant is present in population databases (rs148768872, gnomAD 0.2%). This variant has not been reported in the literature in individuals affected with C6-related conditions. ClinVar contains an entry for this variant (Variation ID: 999262). An algorithm developed to predict the effect of missense changes on protein structure and function (PolyPhen-2) suggests that this variant is likely to be disruptive. In summary, the available evidence is currently insufficient to determine the role of this variant in disease. Therefore, it has been classified as a Variant of Uncertain Significance.

Ambry Genetics
Classification: Uncertain significance for Inborn genetic diseases. Last evaluated: 2022-05-18. Review status: criteria provided, single submitter. Criteria: Ambry Variant Classification Scheme 2023. Collection method: clinical testing. Allele origin: germline.